The following is an entry in ClinVar:

ClinVar aggregate classification (germline): Uncertain significance (1 of 4 stars; one submission).

Conditions:
Hereditary cancer-predisposing syndrome. Also called: Hereditary neoplastic syndrome; Hereditary Cancer Syndrome; Neoplastic Syndromes, Hereditary; Tumor predisposition. Identifiers: Orphanet 140162, MedGen C0027672, MeSH D009386, MONDO:0015356.

Submission:

Color Diagnostics, LLC DBA Color Health
Classification: Uncertain significance for Hereditary cancer-predisposing syndrome. Last evaluated: 2023-10-02. Review status: criteria provided, single submitter. Criteria: ACMG Guidelines, 2015. Collection method: clinical testing. Allele origin: germline.
Comment: This variant is located in the RAD51D protein. To our knowledge, functional studies have not been reported for this variant. This variant has not been reported in individuals affected with RAD51D-related disorders in the literature. This variant has not been identified in the general population by the Genome Aggregation Database (gnomAD). The available evidence is insufficient to determine the role of this variant in disease conclusively. Therefore, this variant is classified as a Variant of Uncertain Significance.

NM_002878.4(RAD51D):c.261C>T (p.Gly87=)

Genes: RAD51D (RAD51 paralog D; minus strand), RAD51L3-RFFL (RAD51L3-RFFL readthrough; minus strand). Cytogenetic location: 17q12.
Variant type: single nucleotide variant.
Coding change: c.261C>T on transcript NM_002878.4 (MANE Select); coding-DNA position 261, C replaced by T.
Protein change: p.Gly87=; no amino-acid change (glycine 87 retained).
Molecular consequence: synonymous variant. On other transcripts: intron variant (2).
Genome position (GRCh38, 1-based): chr17:35,118,503, G>A on the plus strand (C>T on the coding strand, the complement: RAD51D is on the minus strand). VCF-style: chr17-35118503-G-A. GRCh37 (hg19) VCF-style: chr17-33445522-G-A.
Other names: c.144+608C>T (NM_133629.3, NM_001142571.2).
Identifiers: ClinVar variation 2774207 (VCV002774207.2), dbSNP rs2142473516, ClinGen allele CA2637247356.